The following is an entry in ClinVar:

NM_001267550.2(TTN):c.88622T>C (p.Ile29541Thr)

Genes: TTN (titin; minus strand), TTN-AS1 (TTN antisense RNA 1; plus strand). Cytogenetic location: 2q31.2.
Variant type: single nucleotide variant.
Coding change: c.88622T>C on transcript NM_001267550.2 (MANE Select); coding-DNA position 88622, T replaced by C.
Protein change: p.Ile29541Thr; replaces isoleucine 29541 with threonine.
Molecular consequence: missense variant.
Genome position (GRCh38, 1-based): chr2:178,554,725, A>G on the plus strand (T>C on the coding strand, the complement: TTN is on the minus strand). VCF-style: chr2-178554725-A-G. GRCh37 (hg19) VCF-style: chr2-179419452-A-G.
Other names: p.I27900T:ATT>ACT; c.83699T>C, p.Ile27900Thr (NM_001256850.1); c.61427T>C, p.Ile20476Thr (NM_003319.4); c.80918T>C, p.Ile26973Thr (NM_133378.4); c.61802T>C, p.Ile20601Thr (NM_133432.3); c.62003T>C, p.Ile20668Thr (NM_133437.4); short protein forms I27900T, I29541T, I20476T, I20601T, I20668T, I26973T.
Identifiers: ClinVar variation 202951 (VCV000202951.12), dbSNP rs768292510, ClinGen allele CA310787.

ClinVar aggregate classification (germline): Uncertain significance. Review status: criteria provided, multiple submitters, no conflicts (2 of 4 stars). 6 submissions from 6 submitters: Uncertain significance (4). 2 of the submissions do not count toward it. Last evaluated 2021-10-06.

Conditions:
Cardiovascular phenotype. Identifiers: MedGen CN230736.
Myopathy, myofibrillar, 9, with early respiratory failure (MFM9). Also called: EDSTROM MYOPATHY; MYOPATHY, PROXIMAL, WITH EARLY RESPIRATORY MUSCLE INVOLVEMENT; Myopathy, distal, with early respiratory failure, autosomal dominant; Hereditary myopathy with early respiratory failure. Identifiers: Orphanet 178464, Orphanet 34521, MedGen C1863599, MONDO:0011362, OMIM 603689.
Early-onset myopathy with fatal cardiomyopathy (CMYO5). Also called: CONGENITAL MYOPATHY 5 WITH CARDIOMYOPATHY; Salih Myopathy. Identifiers: Orphanet 289377, MedGen C2673677, MONDO:0012714, OMIM 611705. Disease mechanism: loss of function.
Hypertrophic cardiomyopathy 9. Also called: Familial hypertrophic cardiomyopathy 9. Identifiers: MedGen C1861065, MONDO:0013412, OMIM 613765.
Dilated cardiomyopathy 1G (CMD1G). Identifiers: Orphanet 154, MedGen C1858763, MONDO:0011400, OMIM 604145.
Tibial muscular dystrophy (TMD). Also called: UDD MYOPATHY; Tibial muscular dystrophy, tardive; Udd Distal Myopathy – Tibial Muscular Dystrophy. Identifiers: Orphanet 609, MedGen C1838244, MONDO:0010870, OMIM 600334.
Autosomal recessive limb-girdle muscular dystrophy type 2J (LGMDR10). Also called: MUSCULAR DYSTROPHY, LIMB-GIRDLE, AUTOSOMAL RECESSIVE 10; Limb-girdle muscular dystrophy, type 2J. Identifiers: Orphanet 140922, MedGen C1837342, MONDO:0012127, OMIM 608807.

Allele frequency attached by ClinVar (database versions not stated): ExAC 0.00001; gnomAD exomes 0.00002 and 0.00003; TOPMed 0.00003; gnomAD 0.00005 and 0.00006.
gnomAD v4.1: 54 of 1,613,748 alleles (0.0033%); highest among the groups gnomAD compares: Middle Eastern, 0.016%; no homozygotes.

Submissions (6):

Fulgent Genetics
Classification: Uncertain significance for Tibial muscular dystrophy; Myopathy, myofibrillar, 9, with early respiratory failure; Dilated cardiomyopathy 1G; Autosomal recessive limb-girdle muscular dystrophy type 2J; Early-onset myopathy with fatal cardiomyopathy; Hypertrophic cardiomyopathy 9. Last evaluated: 2021-10-06. Review status: criteria provided, single submitter. Criteria: ACMG Guidelines, 2015. Collection method: clinical testing. Allele origin: unknown.

Ambry Genetics
Classification: Uncertain significance for Cardiovascular phenotype. Last evaluated: 2020-08-31. Review status: criteria provided, single submitter. Criteria: Ambry Variant Classification Scheme 2023. Collection method: clinical testing. Allele origin: germline.
Comment: The p.I20476T variant (also known as c.61427T>C), located in coding exon 159 of the TTN gene, results from a T to C substitution at nucleotide position 61427. The isoleucine at codon 20476 is replaced by threonine, an amino acid with similar properties. This variant (described as NM_133378.4 c.80918T>C p.I26973T) was detected in a cardiomyopathy genetic testing cohort; however, clinical details were limited, and an additional cardiac variant was detected in the case (van Lint FHM et al. Neth Heart J, 2019 Jun;27:304-309). This amino acid position is highly conserved in available vertebrate species. In addition, this alteration is predicted to be tolerated by in silico analysis. Since supporting evidence is limited at this time, the clinical significance of this alteration remains unclear.

Revvity Omics, Revvity
Classification: Uncertain significance. Last evaluated: 2019-05-20. Review status: criteria provided, single submitter. Criteria: ACMG Guidelines, 2015. Collection method: clinical testing. Allele origin: germline.

GeneDx
Classification: Uncertain significance. Last evaluated: 2016-09-23. Review status: criteria provided, single submitter. Criteria: GeneDx Variant Classification (06012015). Collection method: clinical testing. Allele origin: germline. Affected: yes.
Comment: Missense variants in the TTN gene are considered 'unclassified' if they are not previously reported in the literature and do not have >1% frequency in the population to be considered a polymorphism. Research indicates that truncating mutations in the TTN gene are expected to account for approximately 25% of familial and 18% of sporadic idiopathic DCM; however, truncating variants in the TTN gene have been reported in approximately 3% of reported control alleles. There has been little investigation into non-truncating variants. (Herman D et al. Truncations of titin causing dilated cardiomyopathy. N Eng J Med 366:619-628, 2012) The variant is found in CARDIOMYOPATHY panel(s).

Clinical Genetics, Academic Medical Center
Classification: Uncertain significance. Review status: no assertion criteria provided. Collection method: clinical testing. Allele origin: germline. Affected: yes. Study: VKGL Data-share Consensus. Not counted in ClinVar's aggregate classification.

Joint Genome Diagnostic Labs from Nijmegen and Maastricht, Radboudumc and MUMC+
Classification: Uncertain significance. Review status: no assertion criteria provided. Collection method: clinical testing. Allele origin: germline. Affected: yes. Study: VKGL Data-share Consensus. Not counted in ClinVar's aggregate classification.

Literature cited by the submitters: PubMed 30847666 (cited by Ambry Genetics).